The following is an entry in ClinVar:

NM_025243.4(SLC19A3):c.1439A>G (p.Asp480Gly)

Gene: SLC19A3 (solute carrier family 19 member 3; minus strand). Cytogenetic location: 2q36.3.
Variant type: single nucleotide variant.
Coding change: c.1439A>G on transcript NM_025243.4 (MANE Select); coding-DNA position 1439, A replaced by G.
Protein change: p.Asp480Gly; replaces aspartic acid 480 with glycine.
Molecular consequence: missense variant.
Genome position (GRCh38, 1-based): chr2:227,687,449, T>C on the plus strand (A>G on the coding strand, the complement: SLC19A3 is on the minus strand). VCF-style: chr2-227687449-T-C. GRCh37 (hg19) VCF-style: chr2-228552165-T-C.
Other names: c.1439A>G, p.Asp480Gly (NM_001371411.1, NM_001371412.1); c.1427A>G, p.Asp476Gly (NM_001371413.1, NM_001371414.1); short protein forms D480G, D476G.
Identifiers: ClinVar variation 847118 (VCV000847118.10), dbSNP rs754918776, ClinGen allele CA2149077.

ClinVar aggregate classification (germline): Uncertain significance. Review status: criteria provided, multiple submitters, no conflicts (2 of 4 stars). 2 submissions from 2 submitters: Uncertain significance (2). Last evaluated 2021-09-02.

Conditions:
Biotin-responsive basal ganglia disease (BTBGD). Also called: Thiamine metabolism dysfunction syndrome type 2; THIAMINE METABOLISM DYSFUNCTION SYNDROME 2 (BIOTIN- AND THIAMINE-RESPONSIVE TYPE); Thiamine Transporter-2 Deficiency; Thiamine metabolism dysfunction syndrome 2 (biotin- or thiamine-responsive encephalopathy type 2); thiamine-responsive encephalopathy. Identifiers: Orphanet 199348, Orphanet 65284, MedGen C1843807, MONDO:0011841, OMIM 607483.

Allele frequency attached by ClinVar (database versions not stated): ExAC 0.00001; gnomAD 0.00001; TOPMed 0.00001.
gnomAD v4.1: 2 of 1,614,010 alleles (0.00012%); highest among the groups gnomAD compares: East Asian, 0.0045%; no homozygotes.

Submissions (2):

Labcorp Genetics (formerly Invitae), Labcorp
Classification: Uncertain significance for Biotin-responsive basal ganglia disease. Last evaluated: 2021-09-02. Review status: criteria provided, single submitter. Criteria: Invitae Variant Classification Sherloc (09022015). Collection method: clinical testing. Allele origin: germline.
Comment: This sequence change replaces aspartic acid with glycine at codon 480 of the SLC19A3 protein (p.Asp480Gly). The aspartic acid residue is weakly conserved and there is a moderate physicochemical difference between aspartic acid and glycine. This variant is present in population databases (rs754918776, ExAC 0.01%). This variant has not been reported in the literature in individuals affected with SLC19A3-related conditions. Algorithms developed to predict the effect of missense changes on protein structure and function output the following: SIFT: "Tolerated"; PolyPhen-2: "Benign"; Align-GVGD: "Class C0". The glycine amino acid residue is found in multiple mammalian species, which suggests that this missense change does not adversely affect protein function. Algorithms developed to predict the effect of sequence changes on RNA splicing suggest that this variant may create or strengthen a splice site. In summary, the available evidence is currently insufficient to determine the role of this variant in disease. Therefore, it has been classified as a Variant of Uncertain Significance.

Illumina Laboratory Services, Illumina
Classification: Uncertain significance for Biotin-responsive basal ganglia disease. Last evaluated: 2018-01-12. Review status: criteria provided, single submitter. Criteria: ICSL Variant Classification Criteria 13 December 2019. Collection method: clinical testing. Allele origin: germline.